The following is an entry in ClinVar:

ClinVar aggregate classification (germline): Likely benign (0 of 4 stars; one submission).

Conditions:
ATP6V1B2-related disorder. Also called: ATP6V1B2-related condition.

Allele frequency attached by ClinVar (database versions not stated): gnomAD 0.00001; TOPMed 0.00001.
gnomAD v4.1: 27 of 1,613,332 alleles (0.0017%); highest among the groups gnomAD compares: Middle Eastern, 0.033%; no homozygotes.

Submission:

PreventionGenetics, part of Exact Sciences
Classification: Likely benign for ATP6V1B2-related condition. Last evaluated: 2022-05-19. Review status: no assertion criteria provided. Collection method: clinical testing. Allele origin: germline.
Comment: This variant is classified as likely benign based on ACMG/AMP sequence variant interpretation guidelines (Richards et al. 2015 PMID: 25741868, with internal and published modifications).

NM_001693.4(ATP6V1B2):c.366G>A (p.Pro122=)

Gene: ATP6V1B2 (ATPase H+ transporting V1 subunit B2; plus strand). Cytogenetic location: 8p21.3.
Variant type: single nucleotide variant.
Coding change: c.366G>A on transcript NM_001693.4 (MANE Select); coding-DNA position 366, G replaced by A.
Protein change: p.Pro122=; no amino-acid change (proline 122 retained).
Molecular consequence: synonymous variant.
Genome position (GRCh38, 1-based): chr8:20,210,420, G>A. VCF-style: chr8-20210420-G-A. GRCh37 (hg19) VCF-style: chr8-20067931-G-A.
Identifiers: ClinVar variation 3031792 (VCV003031792.2), dbSNP rs773659285, ClinGen allele CA4656808.
Genomic context (GRCh38, chr8:20,210,420, plus strand): 5'-TTCAGGTATAGATGCTAAGAAAACGTCCTGTGAGTTTACTGGGGATATTCTCCGAACACC[G>A]GTGTCTGAGGATATGCTTGGTAAATGGATATTATTCATTCTAAGCCGAGATCTGTTTCCT-3'
Protein context (NP_001684.2, residues 112-132): CEFTGDILRT[Pro122=]VSEDMLGRVF